The following is an entry in ClinVar:

NM_002661.5(PLCG2):c.1661C>T (p.Thr554Met)

Gene: PLCG2 (phospholipase C gamma 2; plus strand). Cytogenetic location: 16q23.3.
Variant type: single nucleotide variant.
Coding change: c.1661C>T on transcript NM_002661.5 (MANE Select); coding-DNA position 1661, C replaced by T.
Protein change: p.Thr554Met; replaces threonine 554 with methionine.
Molecular consequence: missense variant.
Genome position (GRCh38, 1-based): chr16:81,908,519, C>T. VCF-style: chr16-81908519-C-T. GRCh37 (hg19) VCF-style: chr16-81942124-C-T.
Other names: short protein forms T554M.
Identifiers: ClinVar variation 1908701 (VCV001908701.5), dbSNP rs781434235, ClinGen allele CA8193880.

ClinVar aggregate classification (germline): Uncertain significance (1 of 4 stars; one submission).

Conditions:
Familial cold autoinflammatory syndrome 3 (FCAS3). Also called: ANTIBODY DEFICIENCY AND IMMUNE DYSREGULATION, PLCG2-ASSOCIATED; FAMILIAL ATYPICAL COLD URTICARIA. Identifiers: Orphanet 300359, MedGen C3280914, MONDO:0013766, OMIM 614468.

Allele frequency attached by ClinVar (database versions not stated): gnomAD 0.00001; gnomAD exomes 0.00002; TOPMed 0.00002; ExAC 0.00003.
gnomAD v4.1: 28 of 1,613,706 alleles (0.0017%); highest among the groups gnomAD compares: East Asian, 0.0045%; no homozygotes.

Submission:

Labcorp Genetics (formerly Invitae), Labcorp
Classification: Uncertain significance for Familial cold autoinflammatory syndrome 3. Last evaluated: 2025-06-17. Review status: criteria provided, single submitter. Criteria: Invitae Variant Classification Sherloc (09022015). Collection method: clinical testing. Allele origin: germline.
Comment: This sequence change replaces threonine, which is neutral and polar, with methionine, which is neutral and non-polar, at codon 554 of the PLCG2 protein (p.Thr554Met). This variant is present in population databases (rs781434235, gnomAD 0.006%). This missense change has been observed in individual(s) with immune dysregulation (PMID: 37769878). ClinVar contains an entry for this variant (Variation ID: 1908701). An algorithm developed to predict the effect of missense changes on protein structure and function outputs the following: PolyPhen-2: "Benign". The methionine amino acid residue is found in multiple mammalian species, which suggests that this missense change does not adversely affect protein function. Experimental studies have shown that this missense change affects PLCG2 function (PMID: 37769878). In summary, the available evidence is currently insufficient to determine the role of this variant in disease. Therefore, it has been classified as a Variant of Uncertain Significance.

Literature cited by the submitters: PubMed 37769878.